The following is an entry in ClinVar:

NM_004082.5(DCTN1):c.1482G>A (p.Ala494=)

Gene: DCTN1 (dynactin subunit 1; minus strand). Cytogenetic location: 2p13.1.
Variant type: single nucleotide variant.
Coding change: c.1482G>A on transcript NM_004082.5 (MANE Select); coding-DNA position 1482, G replaced by A.
Protein change: p.Ala494=; no amino-acid change (alanine 494 retained).
Molecular consequence: synonymous variant. On other transcripts: non-coding transcript variant (1).
Genome position (GRCh38, 1-based): chr2:74,369,402, C>T on the plus strand (G>A on the coding strand, the complement: DCTN1 is on the minus strand). VCF-style: chr2-74369402-C-T. GRCh37 (hg19) VCF-style: chr2-74596529-C-T.
Other names: c.1422G>A, p.Ala474= (NM_001135040.3); c.1080G>A, p.Ala360= (NM_001135041.3, NM_023019.4); c.1371G>A, p.Ala457= (NM_001190836.2); c.1461G>A, p.Ala487= (NM_001190837.2); c.1431G>A, p.Ala477= (NM_001378991.1); c.1413G>A, p.Ala471= (NM_001378992.1).
Identifiers: ClinVar variation 468256 (VCV000468256.20), dbSNP rs372546194, ClinGen allele CA1722136.

ClinVar aggregate classification (germline): Likely benign. Review status: criteria provided, multiple submitters, no conflicts (2 of 4 stars). 4 submissions from 4 submitters: Likely benign (3). 1 of the submissions does not count toward it. Last evaluated 2025-12-01.

Conditions:
DCTN1-related disorder. Also called: DCTN1-related condition.
Inborn genetic diseases. Identifiers: MedGen C0950123, MeSH D030342.
Amyotrophic lateral sclerosis type 1 (ALS1). Also called: AMYOTROPHIC LATERAL SCLEROSIS 1, FAMILIAL. Identifiers: Orphanet 803, MedGen C1862939, MONDO:0007103, OMIM 105400.
Perry syndrome. Also called: PARKINSONISM WITH ALVEOLAR HYPOVENTILATION AND MENTAL DEPRESSION. Identifiers: Orphanet 178509, MedGen C1868594, MONDO:0008201, OMIM 168605.
Neuronopathy, distal hereditary motor, type 7B. Also called: Distal Hereditary Motor Neuronopathy Type 7B (dHMN7B); NEURONOPATHY, DISTAL HEREDITARY MOTOR, AUTOSOMAL DOMINANT 14; NEURONOPATHY, DISTAL HEREDITARY MOTOR, HARDING TYPE VIIB; NEUROPATHY, DISTAL HEREDITARY MOTOR, HARDING TYPE VIIB; NEUROPATHY, DISTAL HEREDITARY MOTOR, WITH VOCAL CORD PARALYSIS, HARDING TYPE VIIB; HMN VIIB. Identifiers: Orphanet 139589, MedGen C1843315, MONDO:0011879, OMIM 607641.

Allele frequency attached by ClinVar (database versions not stated): gnomAD 0.00003 and 0.00009; TOPMed 0.00004; gnomAD exomes 0.00006 and 0.00009; ESP Exome Variant Server 0.00008; ExAC 0.00010.
gnomAD v4.1: 97 of 1,614,092 alleles (0.006%); highest among the groups gnomAD compares: South Asian, 0.059%; no homozygotes.

Submissions (4):

CeGaT Center for Human Genetics Tuebingen
Classification: Likely benign. Last evaluated: 2025-12-01. Review status: criteria provided, single submitter. Criteria: CeGaT Center For Human Genetics Tuebingen Variant Classification Criteria Version 2. Collection method: clinical testing. Allele origin: germline. Affected: yes. Observed: 1 variant allele.
Comment: DCTN1: BP4, BP7

Labcorp Genetics (formerly Invitae), Labcorp
Classification: Likely benign for Amyotrophic lateral sclerosis type 1; Neuronopathy, distal hereditary motor, type 7B; Perry syndrome. Last evaluated: 2024-11-22. Review status: criteria provided, single submitter. Criteria: Invitae Variant Classification Sherloc (09022015). Collection method: clinical testing. Allele origin: germline.

Ambry Genetics
Classification: Likely benign for Inborn genetic diseases. Last evaluated: 2019-07-11. Review status: criteria provided, single submitter. Criteria: Ambry Variant Classification Scheme 2023. Collection method: clinical testing. Allele origin: germline.

PreventionGenetics, part of Exact Sciences
Classification: Likely benign for DCTN1-related condition. Last evaluated: 2019-11-22. Review status: no assertion criteria provided. Collection method: clinical testing. Allele origin: germline. Not counted in ClinVar's aggregate classification.
Comment: This variant is classified as likely benign based on ACMG/AMP sequence variant interpretation guidelines (Richards et al. 2015 PMID: 25741868, with internal and published modifications).